The following is an entry in ClinVar:

NM_032444.4(SLX4):c.1977G>A (p.Ser659=)

Gene: SLX4 (SLX4 structure-specific endonuclease subunit; minus strand). Cytogenetic location: 16p13.3.
Variant type: single nucleotide variant.
Coding change: c.1977G>A on transcript NM_032444.4 (MANE Select); coding-DNA position 1977, G replaced by A.
Protein change: p.Ser659=; no amino-acid change (serine 659 retained).
Molecular consequence: synonymous variant.
Genome position (GRCh38, 1-based): chr16:3,595,641, C>T on the plus strand (G>A on the coding strand, the complement: SLX4 is on the minus strand). VCF-style: chr16-3595641-C-T. GRCh37 (hg19) VCF-style: chr16-3645642-C-T.
Other names: c.1977G>A (LRG_503t1, NM_032444.3).
Identifiers: ClinVar variation 414722 (VCV000414722.23), dbSNP rs572117922, ClinGen allele CA7866345.
Genomic context (GRCh38, chr16:3,595,641, plus strand): 5'-GCGCGGGCCAGAGCCAGTTCTTACCAAGGTGCGGCCGCCCCTGTCCGGGTGCTTGTCCTG[C>T]GATGGCACCACAAACCCAGTCAGAGGAAGGCCGCCGGGCACCACGTCCAACCCTGAGTGG-3'
Protein context (NP_115820.2, residues 649-669): GLPLTGFVVP[Ser659=]QDKHPDRGGR

ClinVar aggregate classification (germline): Likely benign. Review status: criteria provided, multiple submitters, no conflicts (2 of 4 stars). 5 submissions from 5 submitters: Likely benign (4). 1 of the submissions does not count toward it. Last evaluated 2026-01-27.

Conditions:
SLX4-related disorder. Also called: SLX4-related condition.
Fanconi anemia complementation group P. Also called: SLX4-Related Fanconi Anemia. Identifiers: Orphanet 84, MedGen C3469542, MONDO:0013499, OMIM 613951.
Fanconi anemia (FA). Also called: Fanconi's anemia. Identifiers: Orphanet 84, MedGen C0015625, MeSH D005199, MONDO:0019391.

Allele frequency attached by ClinVar (database versions not stated): gnomAD exomes 0.00003 and 0.00005; TOPMed 0.00003; gnomAD 0.00005 and 0.00002; ExAC 0.00003.
gnomAD v4.1: 46 of 1,614,056 alleles (0.0028%); highest among the groups gnomAD compares: East Asian, 0.031%; 2 homozygotes.

Submissions (5):

Labcorp Genetics (formerly Invitae), Labcorp
Classification: Likely benign for Fanconi anemia. Last evaluated: 2026-01-27. Review status: criteria provided, single submitter. Criteria: Invitae Variant Classification Sherloc (09022015). Collection method: clinical testing. Allele origin: germline.

CeGaT Center for Human Genetics Tuebingen
Classification: Likely benign. Last evaluated: 2025-07-01. Review status: criteria provided, single submitter. Criteria: CeGaT Center For Human Genetics Tuebingen Variant Classification Criteria Version 2. Collection method: clinical testing. Allele origin: germline. Affected: yes. Observed: 2 variant alleles.
Comment: SLX4: BP4, BP7

Blueprint Genetics
Classification: Likely benign. Last evaluated: 2024-06-25. Review status: criteria provided, single submitter. Criteria: ACMG Guidelines, 2015. Collection method: clinical testing. Allele origin: germline.

Fulgent Genetics
Classification: Likely benign for Fanconi anemia complementation group P. Last evaluated: 2021-11-03. Review status: criteria provided, single submitter. Criteria: ACMG Guidelines, 2015. Collection method: clinical testing. Allele origin: unknown.

PreventionGenetics, part of Exact Sciences
Classification: Likely benign for SLX4-related condition. Last evaluated: 2019-09-09. Review status: no assertion criteria provided. Collection method: clinical testing. Allele origin: germline. Not counted in ClinVar's aggregate classification.
Comment: This variant is classified as likely benign based on ACMG/AMP sequence variant interpretation guidelines (Richards et al. 2015 PMID: 25741868, with internal and published modifications).